The following is an entry in ClinVar:

ClinVar aggregate classification (germline): Conflicting classifications of pathogenicity. Review status: criteria provided, conflicting classifications (1 of 4 stars). 3 submissions from 3 submitters: Uncertain significance (2); Benign (1). Last evaluated 2023-01-01.

Conditions:
Inborn genetic diseases. Identifiers: MedGen C0950123, MeSH D030342.
Townes syndrome (TBS). Also called: Townes-Brocks syndrome. Identifiers: Orphanet 857, MedGen C0265246, MeSH C536974, MONDO:0007142.

Allele frequency attached by ClinVar (database versions not stated): ExAC 0.00005; gnomAD 0.00006 and 0.00007; gnomAD exomes 0.00007; TOPMed 0.00008; 1000 Genomes Project 30x 0.00047; 1000 Genomes Project 0.00060.

Submissions (3):

Labcorp Genetics (formerly Invitae), Labcorp
Classification: Uncertain significance for Townes syndrome. Last evaluated: 2023-01-01. Review status: criteria provided, single submitter. Criteria: Invitae Variant Classification Sherloc (09022015). Collection method: clinical testing. Allele origin: germline.
Comment: In summary, the available evidence is currently insufficient to determine the role of this variant in disease. Therefore, it has been classified as a Variant of Uncertain Significance. Algorithms developed to predict the effect of missense changes on protein structure and function (SIFT, PolyPhen-2, Align-GVGD) all suggest that this variant is likely to be tolerated. ClinVar contains an entry for this variant (Variation ID: 426902). This variant has not been reported in the literature in individuals affected with SALL1-related conditions. This variant is present in population databases (rs529030284, gnomAD 0.06%), and has an allele count higher than expected for a pathogenic variant. This sequence change replaces arginine, which is basic and polar, with histidine, which is basic and polar, at codon 1313 of the SALL1 protein (p.Arg1313His).

Ambry Genetics
Classification: Uncertain significance for Inborn genetic diseases. Last evaluated: 2022-07-12. Review status: criteria provided, single submitter. Criteria: Ambry Variant Classification Scheme 2023. Collection method: clinical testing. Allele origin: germline.

GeneDx
Classification: Benign. Last evaluated: 2021-03-15. Review status: criteria provided, single submitter. Criteria: GeneDx Variant Classification Process June 2021. Collection method: clinical testing. Allele origin: germline. Affected: yes.
Comment: This variant is associated with the following publications: (PMID: 26257827)

NM_002968.3(SALL1):c.3938G>A (p.Arg1313His)

Gene: SALL1 (spalt like transcription factor 1; minus strand). Cytogenetic location: 16q12.1.
Variant type: single nucleotide variant.
Coding change: c.3938G>A on transcript NM_002968.3 (MANE Select); coding-DNA position 3938, G replaced by A.
Protein change: p.Arg1313His; replaces arginine 1313 with histidine.
Molecular consequence: missense variant.
Genome position (GRCh38, 1-based): chr16:51,137,149, C>T on the plus strand (G>A on the coding strand, the complement: SALL1 is on the minus strand). VCF-style: chr16-51137149-C-T. GRCh37 (hg19) VCF-style: chr16-51171060-C-T.
Other names: c.3647G>A, p.Arg1216His (NM_001127892.2); short protein forms R1313H, R1216H.
Identifiers: ClinVar variation 426902 (VCV000426902.12), dbSNP rs529030284, ClinGen allele CA8052803.